The following is an entry in ClinVar:

NM_006269.2(RP1):c.4625A>G (p.Tyr1542Cys)

Gene: RP1 (RP1 axonemal microtubule associated; plus strand). Cytogenetic location: 8q12.1.
Variant type: single nucleotide variant.
Coding change: c.4625A>G on transcript NM_006269.2 (MANE Select); coding-DNA position 4625, A replaced by G.
Protein change: p.Tyr1542Cys; replaces tyrosine 1542 with cysteine.
Molecular consequence: missense variant. On other transcripts: intron variant (1).
Genome position (GRCh38, 1-based): chr8:54,628,507, A>G. VCF-style: chr8-54628507-A-G. GRCh37 (hg19) VCF-style: chr8-55541067-A-G.
Other names: c.787+6219A>G (NM_001375654.1); short protein forms Y1542C.
Identifiers: ClinVar variation 3620570 (VCV003620570.2).
Genomic context (GRCh38, chr8:54,628,507, plus strand): 5'-GTATAATTTATGAAATAATCAGTAAGAGGCTGGCAACACCACCATCTTTAGATTTTTGCT[A>G]TGATTCTAAGCAAAATAGTGAAAAGGAGACCAATGAAGGAGAAACTAAGATGGTAAAAAT-3'
Protein context (NP_006260.1, residues 1532-1552): LATPPSLDFC[Tyr1542Cys]DSKQNSEKET

ClinVar aggregate classification (germline): Uncertain significance (1 of 4 stars; one submission).

Submission:

Labcorp Genetics (formerly Invitae), Labcorp
Classification: Uncertain significance. Last evaluated: 2024-10-12. Review status: criteria provided, single submitter. Criteria: Invitae Variant Classification Sherloc (09022015). Collection method: clinical testing. Allele origin: germline.
Comment: This sequence change replaces tyrosine, which is neutral and polar, with cysteine, which is neutral and slightly polar, at codon 1542 of the RP1 protein (p.Tyr1542Cys). This variant is not present in population databases (gnomAD no frequency). This variant has not been reported in the literature in individuals affected with RP1-related conditions. An algorithm developed to predict the effect of missense changes on protein structure and function outputs the following: PolyPhen-2: "Possibly Damaging". The cysteine amino acid residue is found in multiple mammalian species, which suggests that this missense change does not adversely affect protein function. In summary, the available evidence is currently insufficient to determine the role of this variant in disease. Therefore, it has been classified as a Variant of Uncertain Significance.